The following is an entry in ClinVar:

NM_001852.4(COL9A2):c.1685G>A (p.Gly562Glu)

Gene: COL9A2 (collagen type IX alpha 2 chain; minus strand). Cytogenetic location: 1p34.2.
Variant type: single nucleotide variant.
Coding change: c.1685G>A on transcript NM_001852.4 (MANE Select); coding-DNA position 1685, G replaced by A.
Protein change: p.Gly562Glu; replaces glycine 562 with glutamic acid.
Molecular consequence: missense variant.
Genome position (GRCh38, 1-based): chr1:40,302,728, C>T on the plus strand (G>A on the coding strand, the complement: COL9A2 is on the minus strand). VCF-style: chr1-40302728-C-T. GRCh37 (hg19) VCF-style: chr1-40768400-C-T.
Other names: short protein forms G562E.
Identifiers: ClinVar variation 1429726 (VCV001429726.6), dbSNP rs1025841990, ClinGen allele CA21041187.

ClinVar aggregate classification (germline): Uncertain significance (1 of 4 stars; one submission).

Allele frequency attached by ClinVar (database versions not stated): gnomAD exomes below 0.00001.
gnomAD v4.1: 1 of 1,572,856 alleles (0.000064%); highest among the groups gnomAD compares: Non-Finnish European, 0.000086%; no homozygotes.

Submission:

Labcorp Genetics (formerly Invitae), Labcorp
Classification: Uncertain significance. Last evaluated: 2023-07-03. Review status: criteria provided, single submitter. Criteria: Invitae Variant Classification Sherloc (09022015). Collection method: clinical testing. Allele origin: germline.
Comment: Advanced modeling of protein sequence and biophysical properties (such as structural, functional, and spatial information, amino acid conservation, physicochemical variation, residue mobility, and thermodynamic stability) performed at Invitae indicates that this missense variant is expected to disrupt COL9A2 protein function. In summary, the available evidence is currently insufficient to determine the role of this variant in disease. Therefore, it has been classified as a Variant of Uncertain Significance. ClinVar contains an entry for this variant (Variation ID: 1429726). This variant has not been reported in the literature in individuals affected with COL9A2-related conditions. This variant is not present in population databases (gnomAD no frequency). This sequence change replaces glycine, which is neutral and non-polar, with glutamic acid, which is acidic and polar, at codon 562 of the COL9A2 protein (p.Gly562Glu).